The following is an entry in ClinVar:

NM_000180.4(GUCY2D):c.526C>T (p.Leu176Phe)

Gene: GUCY2D (guanylate cyclase 2D, retinal; plus strand). Cytogenetic location: 17p13.1.
Variant type: single nucleotide variant.
Coding change: c.526C>T on transcript NM_000180.4 (MANE Select); coding-DNA position 526, C replaced by T.
Protein change: p.Leu176Phe; replaces leucine 176 with phenylalanine.
Molecular consequence: missense variant.
Genome position (GRCh38, 1-based): chr17:8,003,573, C>T. VCF-style: chr17-8003573-C-T. GRCh37 (hg19) VCF-style: chr17-7906891-C-T.
Other names: short protein forms L176F.
Identifiers: ClinVar variation 1369501 (VCV001369501.8), dbSNP rs1975677447, ClinGen allele CA397944012.

ClinVar aggregate classification (germline): Uncertain significance (1 of 4 stars; one submission).

Conditions:
Leber congenital amaurosis 1 (LCA1). Also called: Congenital absence of the rods and cones; Leber's congenital tapetoretinal degeneration; Leber's congenital tapetoretinal dysplasia; RETINAL BLINDNESS, CONGENITAL; AMAUROSIS CONGENITA OF LEBER I. Identifiers: Orphanet 65, MedGen C2931258, MONDO:0008764, OMIM 204000.
Cone-rod dystrophy 6 (CORD6). Also called: Cone dystrophy progressive; RETINAL CONE DYSTROPHY 2. Identifiers: Orphanet 1872, MedGen C1866293, MONDO:0011143, OMIM 601777.

Allele frequency attached by ClinVar (database versions not stated): TOPMed 0.00001.

Submission:

Labcorp Genetics (formerly Invitae), Labcorp
Classification: Uncertain significance for Leber congenital amaurosis 1; Cone-rod dystrophy 6. Last evaluated: 2022-09-01. Review status: criteria provided, single submitter. Criteria: Invitae Variant Classification Sherloc (09022015). Collection method: clinical testing. Allele origin: germline.
Comment: In summary, the available evidence is currently insufficient to determine the role of this variant in disease. Therefore, it has been classified as a Variant of Uncertain Significance. Algorithms developed to predict the effect of missense changes on protein structure and function output the following: SIFT: "Deleterious"; PolyPhen-2: "Benign"; Align-GVGD: "Class C0". The phenylalanine amino acid residue is found in multiple mammalian species, which suggests that this missense change does not adversely affect protein function. ClinVar contains an entry for this variant (Variation ID: 1369501). This variant has not been reported in the literature in individuals affected with GUCY2D-related conditions. This variant is not present in population databases (gnomAD no frequency). This sequence change replaces leucine, which is neutral and non-polar, with phenylalanine, which is neutral and non-polar, at codon 176 of the GUCY2D protein (p.Leu176Phe).